The following is an entry in ClinVar:

ClinVar aggregate classification (germline): Uncertain significance (1 of 4 stars; one submission).

Submission:

Labcorp Genetics (formerly Invitae), Labcorp
Classification: Uncertain significance. Last evaluated: 2021-11-30. Review status: criteria provided, single submitter. Criteria: Invitae Variant Classification Sherloc (09022015). Collection method: clinical testing. Allele origin: germline.
Comment: In summary, the available evidence is currently insufficient to determine the role of this variant in disease. Therefore, it has been classified as a Variant of Uncertain Significance. Algorithms developed to predict the effect of missense changes on protein structure and function output the following: SIFT: "Tolerated"; PolyPhen-2: "Benign"; Align-GVGD: "Class C0". The alanine amino acid residue is found in multiple mammalian species, which suggests that this missense change does not adversely affect protein function. This variant has not been reported in the literature in individuals affected with TTC37-related conditions. This variant is not present in population databases (gnomAD no frequency). This sequence change replaces valine, which is neutral and non-polar, with alanine, which is neutral and non-polar, at codon 1081 of the TTC37 protein (p.Val1081Ala).

NM_014639.4(SKIC3):c.3242T>C (p.Val1081Ala)

Gene: SKIC3 (SKI3 subunit of superkiller complex; minus strand). Cytogenetic location: 5q15.
Variant type: single nucleotide variant.
Coding change: c.3242T>C on transcript NM_014639.4 (MANE Select); coding-DNA position 3242, T replaced by C.
Protein change: p.Val1081Ala; replaces valine 1081 with alanine.
Molecular consequence: missense variant.
Genome position (GRCh38, 1-based): chr5:95,502,979, A>G on the plus strand (T>C on the coding strand, the complement: SKIC3 is on the minus strand). VCF-style: chr5-95502979-A-G. GRCh37 (hg19) VCF-style: chr5-94838683-A-G.
Other names: short protein forms V1081A.
Identifiers: ClinVar variation 1957646 (VCV001957646.5), dbSNP rs2530727618, ClinGen allele CA360452216.
Genomic context (GRCh38, chr5:95,502,979, plus strand): 5'-TGTTTATATTCAGTTATTGCCAGAGCTGTCAAGATATGGGCTTTGTCTTGCTCCGATTCA[A>G]CAATAGACAAGGCTCTCTCATAGGCTGTTACATAGAAGTGAAAACAAACAAAACAATATA-3'
Protein context (NP_055454.1, residues 1071-1091): SKAYERALSI[Val1081Ala]ESEQDKAHIL